The following is an entry in ClinVar:

NM_015295.3(SMCHD1):c.3620A>G (p.Lys1207Arg)

Gene: SMCHD1 (structural maintenance of chromosomes flexible hinge domain containing 1; plus strand). Cytogenetic location: 18p11.32.
Variant type: single nucleotide variant.
Coding change: c.3620A>G on transcript NM_015295.3 (MANE Select); coding-DNA position 3620, A replaced by G.
Protein change: p.Lys1207Arg; replaces lysine 1207 with arginine.
Molecular consequence: missense variant.
Genome position (GRCh38, 1-based): chr18:2,740,808, A>G. VCF-style: chr18-2740808-A-G. GRCh37 (hg19) VCF-style: chr18-2740806-A-G.
Other names: short protein forms K1207R.
Identifiers: ClinVar variation 1366626 (VCV001366626.6), dbSNP rs1249504713, ClinGen allele CA401688935.

ClinVar aggregate classification (germline): Uncertain significance (1 of 4 stars; one submission).

Conditions:
Facioscapulohumeral muscular dystrophy 2 (FSHD2). Also called: MUSCULAR DYSTROPHY, FACIOSCAPULOHUMERAL, TYPE 1B; FACIOSCAPULOHUMERAL MUSCULAR DYSTROPHY 2, DIGENIC; FSHD2, DIGENIC. Identifiers: Orphanet 269, MedGen C1834671, MONDO:0008031, OMIM 158901.

Allele frequency attached by ClinVar (database versions not stated): gnomAD exomes below 0.00001.
gnomAD v4.1: 1 of 1,600,128 alleles (0.000062%); highest among the groups gnomAD compares: Admixed American, 0.0017%; no homozygotes.

Submission:

Labcorp Genetics (formerly Invitae), Labcorp
Classification: Uncertain significance for Facioscapulohumeral muscular dystrophy 2. Last evaluated: 2022-03-08. Review status: criteria provided, single submitter. Criteria: Invitae Variant Classification Sherloc (09022015). Collection method: clinical testing. Allele origin: germline.
Comment: This sequence change replaces lysine, which is basic and polar, with arginine, which is basic and polar, at codon 1207 of the SMCHD1 protein (p.Lys1207Arg). The frequency data for this variant in the population databases is considered unreliable, as metrics indicate poor data quality at this position in the gnomAD database. This variant has not been reported in the literature in individuals affected with SMCHD1-related conditions. In summary, the available evidence is currently insufficient to determine the role of this variant in disease. Therefore, it has been classified as a Variant of Uncertain Significance. Algorithms developed to predict the effect of missense changes on protein structure and function (SIFT, PolyPhen-2, Align-GVGD) all suggest that this variant is likely to be tolerated.